The following is an entry in ClinVar:

NM_004525.3(LRP2):c.13813C>A (p.Gln4605Lys)

Gene: LRP2 (LDL receptor related protein 2; minus strand). Cytogenetic location: 2q31.1.
Variant type: single nucleotide variant.
Coding change: c.13813C>A on transcript NM_004525.3 (MANE Select); coding-DNA position 13813, C replaced by A.
Protein change: p.Gln4605Lys; replaces glutamine 4605 with lysine.
Molecular consequence: missense variant.
Genome position (GRCh38, 1-based): chr2:169,128,818, G>T on the plus strand (C>A on the coding strand, the complement: LRP2 is on the minus strand). VCF-style: chr2-169128818-G-T. GRCh37 (hg19) VCF-style: chr2-169985328-G-T.
Other names: short protein forms Q4605K.
Identifiers: ClinVar variation 2505644 (VCV002505644.3), dbSNP rs1293736226, ClinGen allele CA349148811.

ClinVar aggregate classification (germline): Uncertain significance. Review status: criteria provided, multiple submitters, no conflicts (2 of 4 stars). 2 submissions from 2 submitters: Uncertain significance (2). Last evaluated 2025-11-02.

Allele frequency attached by ClinVar (database versions not stated): gnomAD 0.00001.
gnomAD v4.1: 1 of 1,613,906 alleles (0.000062%); highest among the groups gnomAD compares: African/African-American, 0.0013%; no homozygotes.

Submissions (2):

GeneDx
Classification: Uncertain significance. Last evaluated: 2025-11-02. Review status: criteria provided, single submitter. Criteria: GeneDx Variant Classification Process June 2021. Collection method: clinical testing. Allele origin: germline. Affected: yes.
Comment: Not observed at significant frequency in large population cohorts (gnomAD); In silico analysis suggests that this missense variant does not alter protein structure/function; Has not been previously published as pathogenic or benign to our knowledge

Breakthrough Genomics
Classification: Uncertain significance. Review status: criteria provided, single submitter. Criteria: ACMG Guidelines, 2015. Collection method: not provided. Allele origin: germline. Inheritance: Autosomal recessive inheritance. Affected: yes.